The following is an entry in ClinVar:

NM_004360.5(CDH1):c.1565+9G>A

Gene: CDH1 (cadherin 1; plus strand). Cytogenetic location: 16q22.1.
Variant type: single nucleotide variant.
Coding change: c.1565+9G>A on transcript NM_004360.5 (MANE Select); 9 bases into the intron after coding-DNA position 1565, G replaced by A.
Molecular consequence: intron variant.
Genome position (GRCh38, 1-based): chr16:68,815,768, G>A. VCF-style: chr16-68815768-G-A. GRCh37 (hg19) VCF-style: chr16-68849671-G-A.
Other names: c.17+9G>A (NM_001317185.2); c.-255+9G>A (NM_001317186.2); c.1382+9G>A (NM_001317184.2).
Identifiers: ClinVar variation 2826010 (VCV002826010.4), dbSNP rs2152135174, ClinGen allele CA2732909286.

ClinVar aggregate classification (germline): Likely benign. Review status: criteria provided, multiple submitters, no conflicts (2 of 4 stars). 2 submissions from 2 submitters: Likely benign (2). Last evaluated 2024-09-19.

Conditions:
Hereditary diffuse gastric adenocarcinoma (HDGC). Also called: DIFFUSE GASTRIC AND LOBULAR BREAST CANCER SYNDROME. Identifiers: Orphanet 26106, MedGen C1708349, MONDO:0007648, OMIM 137215.

Submissions (2):

Myriad Genetics, Inc.
Classification: Likely benign for Hereditary diffuse gastric adenocarcinoma. Last evaluated: 2024-09-19. Review status: criteria provided, single submitter. Criteria: Myriad Autosomal Dominant, Autosomal Recessive and X-Linked Classification Criteria (2023). Collection method: clinical testing. Allele origin: unknown.
Comment: This variant is considered likely benign. This variant is intronic and is not expected to impact mRNA splicing.

Labcorp Genetics (formerly Invitae), Labcorp
Classification: Likely benign for Hereditary diffuse gastric adenocarcinoma. Last evaluated: 2024-06-04. Review status: criteria provided, single submitter. Criteria: Invitae Variant Classification Sherloc (09022015). Collection method: clinical testing. Allele origin: germline.